The following is an entry in ClinVar:

ClinVar aggregate classification (germline): Uncertain significance (1 of 4 stars; one submission).

Submission:

Labcorp Genetics (formerly Invitae), Labcorp
Classification: Uncertain significance. Last evaluated: 2022-04-08. Review status: criteria provided, single submitter. Criteria: Invitae Variant Classification Sherloc (09022015). Collection method: clinical testing. Allele origin: germline.
Comment: This variant has not been reported in the literature in individuals affected with ERCC6L2-related conditions. In summary, the available evidence is currently insufficient to determine the role of this variant in disease. Therefore, it has been classified as a Variant of Uncertain Significance. Experimental studies and prediction algorithms are not available or were not evaluated, and the functional significance of this variant is currently unknown. This variant is not present in population databases (gnomAD no frequency). This sequence change creates a premature translational stop signal (p.Cys1514*) in the ERCC6L2 gene. While this is not anticipated to result in nonsense mediated decay, it is expected to disrupt the last 48 amino acid(s) of the ERCC6L2 protein.

NM_020207.7(ERCC6L2):c.4509_4510del (p.Cys1503_Glu1504delinsTer)

Gene: ERCC6L2 (ERCC excision repair 6 like 2; plus strand). Cytogenetic location: 9q22.32.
Variant type: Microsatellite.
Coding change: c.4509_4510del on transcript NM_020207.7 (MANE Select); coding-DNA positions 4509 to 4510, 2 bases deleted (TG; older notation c.4509_4510delTG).
Protein change: p.Cys1503_Glu1504delinsTer.
Molecular consequence: nonsense. On other transcripts: non-coding transcript variant (1), intron variant (2).
Genome position (GRCh38, 1-based): chr9:96,013,059-96,013,060, TG deleted; deleting any 2 consecutive bases within chr9:96,013,055-96,013,060 gives the same sequence; the c. name uses the placement nearest the transcript's 3' end. VCF-style (leftmost placement, unchanged base first): chr9-96013054-CTG-C. GRCh37 (hg19) VCF-style: chr9-98775336-CTG-C.
Other names: c.3674+8354TG[2] (NM_001375291.1, NM_001375292.1).
Identifiers: ClinVar variation 1908462 (VCV001908462.5), dbSNP rs775303527, ClinGen allele CA5140116.